The following is an entry in ClinVar:

NM_017514.5(PLXNA3):c.5445C>T (p.Arg1815=)

Gene: PLXNA3 (plexin A3; plus strand). Cytogenetic location: Xq28.
Variant type: single nucleotide variant.
Coding change: c.5445C>T on transcript NM_017514.5 (MANE Select); coding-DNA position 5445, C replaced by T.
Protein change: p.Arg1815=; no amino-acid change (arginine 1815 retained).
Molecular consequence: synonymous variant.
Genome position (GRCh38, 1-based): chrX:154,471,563, C>T. VCF-style: chrX-154471563-C-T. GRCh37 (hg19) VCF-style: chrX-153699906-C-T.
Identifiers: ClinVar variation 3353946 (VCV003353946.1).

ClinVar aggregate classification (germline): Likely benign (0 of 4 stars; one submission).

Conditions:
PLXNA3-related disorder. Also called: PLXNA3-related condition.

Submission:

PreventionGenetics, part of Exact Sciences
Classification: Likely benign for PLXNA3-related condition. Last evaluated: 2024-02-14. Review status: no assertion criteria provided. Collection method: clinical testing. Allele origin: germline.
Comment: This variant is classified as likely benign based on ACMG/AMP sequence variant interpretation guidelines (Richards et al. 2015 PMID: 25741868, with internal and published modifications).